The following is an entry in ClinVar:

ClinVar aggregate classification (germline): Likely benign (1 of 4 stars; one submission).

Allele frequency attached by ClinVar (database versions not stated): ExAC 0.00016; 1000 Genomes Project 0.00020; ESP Exome Variant Server 0.00038; gnomAD 0.00044 and 0.00048; TOPMed 0.00046; gnomAD exomes 0.00006 and 0.00010; 1000 Genomes Project 30x 0.00016.
gnomAD v4.1: 150 of 1,525,612 alleles (0.0098%); highest among the groups gnomAD compares: African/African-American, 0.16%; no homozygotes.

Submission:

GeneDx
Classification: Likely benign. Last evaluated: 2016-03-22. Review status: criteria provided, single submitter. Criteria: GeneDx Variant Classification (06012015). Collection method: clinical testing. Allele origin: germline. Affected: yes.
Comment: This variant is considered likely benign or benign based on one or more of the following criteria: it is a conservative change, it occurs at a poorly conserved position in the protein, it is predicted to be benign by multiple in silico algorithms, and/or has population frequency not consistent with disease.

NM_014362.4(HIBCH):c.*3T>C

Gene: HIBCH (3-hydroxyisobutyryl-CoA hydrolase; minus strand). Cytogenetic location: 2q32.2.
Variant type: single nucleotide variant.
Coding change: c.*3T>C on transcript NM_014362.4 (MANE Select); 3 bases downstream of the stop codon, T replaced by C.
Molecular consequence: 3 prime UTR variant.
Genome position (GRCh38, 1-based): chr2:190,205,114, A>G on the plus strand (T>C on the coding strand, the complement: HIBCH is on the minus strand). VCF-style: chr2-190205114-A-G. GRCh37 (hg19) VCF-style: chr2-191069840-A-G.
Other names: c.*113T>C (NM_198047.3).
Identifiers: ClinVar variation 384211 (VCV000384211.1), dbSNP rs371007017, ClinGen allele CA2027335.